The following is an entry in ClinVar:

ClinVar aggregate classification (germline): Likely pathogenic (1 of 4 stars; one submission).

Conditions:
Ehlers-Danlos syndrome, musculocontractural type 1. Identifiers: MedGen CN295219, MONDO:0020681, OMIM 601776.

Submission:

3billion
Classification: Likely pathogenic for Ehlers-Danlos syndrome, musculocontractural type 1. Last evaluated: 2024-08-08. Review status: criteria provided, single submitter. Criteria: ACMG Guidelines, 2015. Collection method: clinical testing. Allele origin: germline. Affected: yes.
Comment: The variant is not observed in the gnomAD v4.0.0 dataset. Predicted Consequence/Location: Frameshift: predicted to result in a loss or disruption of normal protein function through protein truncation. Therefore, this variant is classified as Likely pathogenic according to the recommendation of ACMG/AMP guideline.

NM_130468.4(CHST14):c.85_95dup (p.Leu34fs)

Genes: CHST14 (carbohydrate sulfotransferase 14; plus strand), LOC130056851 (ATAC-STARR-seq lymphoblastoid silent region 6336; plus strand). Cytogenetic location: 15q15.1.
Variant type: Duplication.
Coding change: c.85_95dup on transcript NM_130468.4 (MANE Select); coding-DNA positions 85 to 95, 11 bases duplicated (AGGGCCCGGGC).
Protein change: p.Leu34fs; shifts the reading frame from leucine 34.
Molecular consequence: frameshift variant.
Genome position (GRCh38, 1-based): chr15:40,471,298-40,471,308, AGGGCCCGGGC duplicated; duplicating any 11 consecutive bases within chr15:40,471,294-40,471,308 gives the same sequence; the c. name uses the placement nearest the transcript's 3' end. VCF-style (leftmost placement, unchanged base first): chr15-40471293-T-TGGGCAGGGCCC. GRCh37 (hg19) VCF-style: chr15-40763492-T-TGGGCAGGGCCC.
Other names: short protein forms L34fs.
Identifiers: ClinVar variation 4293813 (VCV004293813.1).